The following is an entry in ClinVar:

NM_001042492.3(NF1):c.1888del (p.Gly629_Val630insTer)

Gene: NF1 (neurofibromin 1; plus strand). Cytogenetic location: 17q11.2.
Variant type: Deletion.
Coding change: c.1888del on transcript NM_001042492.3 (MANE Select); coding-DNA position 1888, one base deleted (G; older notation c.1888delG).
Protein change: p.Gly629_Val630insTer.
Molecular consequence: nonsense. On other transcripts: frameshift variant (1).
Genome position (GRCh38, 1-based): chr17:31,225,137, G deleted; the last of 4 consecutive G bases (chr17:31,225,134-31,225,137); deleting any one gives the same sequence. VCF-style (leftmost placement, unchanged base first): chr17-31225133-CG-C. GRCh37 (hg19) VCF-style: chr17-29552151-CG-C.
Other names: c.1888delG (NM_000267.3); c.1888delG, p.Val630Terfs (NM_000267.4).
Identifiers: ClinVar variation 964171 (VCV000964171.10), dbSNP rs1567846670, ClinGen allele CA499231197.
Genomic context (GRCh38, chr17:31,225,133, plus strand): 5'-TTATTTATTTATTTTTTTCTAGCAGGCAGATAGAAGTTCCTGTCACTTTCTCCTTTTTTA[CG>C]GGGTAGGATGTGATATTCCTTCTAGTGGAAATACCAGTCAAATGTCCATGGATCATGAAG-3'

ClinVar aggregate classification (germline): Pathogenic. Review status: criteria provided, multiple submitters, no conflicts (2 of 4 stars). 3 submissions from 3 submitters: Pathogenic (3). Last evaluated 2024-01-18.

Conditions:
Neurofibromatosis, type 1 (NF1). Also called: Peripheral type neurofibromatosis; VON RECKLINGHAUSEN DISEASE; NEUROFIBROMATOSIS, TYPE I, SOMATIC; Neurofibromatosis, type I. Identifiers: Orphanet 636, MedGen C0027831, MONDO:0018975, OMIM 162200. Disease mechanism: loss of function.

Submissions (3):

Labcorp Genetics (formerly Invitae), Labcorp
Classification: Pathogenic for Neurofibromatosis, type 1. Last evaluated: 2024-01-18. Review status: criteria provided, single submitter. Criteria: Invitae Variant Classification Sherloc (09022015). Collection method: clinical testing. Allele origin: germline.
Comment: This sequence change creates a premature translational stop signal (p.Val630*) in the NF1 gene. It is expected to result in an absent or disrupted protein product. Loss-of-function variants in NF1 are known to be pathogenic (PMID: 10712197, 23913538). This variant is not present in population databases (gnomAD no frequency). This premature translational stop signal has been observed in individual(s) with neurofibromatosis type 1 (PMID: 30014477). ClinVar contains an entry for this variant (Variation ID: 964171). Algorithms developed to predict the effect of sequence changes on RNA splicing suggest that this variant may create or strengthen a splice site. For these reasons, this variant has been classified as Pathogenic.

Genome-Nilou Lab
Classification: Pathogenic for Neurofibromatosis, type 1. Last evaluated: 2022-03-15. Review status: criteria provided, single submitter. Criteria: ACMG Guidelines, 2015. Collection method: clinical testing. Allele origin: germline. Affected: no.

Genome Diagnostics Laboratory, The Hospital for Sick Children
Classification: Pathogenic for Neurofibromatosis, type 1. Last evaluated: 2020-10-26. Review status: criteria provided, single submitter. Criteria: ACMG Guidelines, 2015. Collection method: clinical testing. Allele origin: germline. Affected: yes.

Literature cited by the submitters: PubMed 10712197 (cited by Labcorp Genetics (formerly Invitae), Labcorp); PubMed 23913538 (cited by Labcorp Genetics (formerly Invitae), Labcorp); PubMed 30014477 (cited by Labcorp Genetics (formerly Invitae), Labcorp).